The following is an entry in ClinVar:

NM_172351.3(CD46):c.472G>C (p.Glu158Gln)

Gene: CD46 (CD46 molecule; plus strand). Cytogenetic location: 1q32.2.
Variant type: single nucleotide variant.
Coding change: c.472G>C on transcript NM_172351.3 (MANE Select); coding-DNA position 472, G replaced by C.
Protein change: p.Glu158Gln; replaces glutamic acid 158 with glutamine.
Molecular consequence: missense variant.
Genome position (GRCh38, 1-based): chr1:207,759,721, G>C. VCF-style: chr1-207759721-G-C. GRCh37 (hg19) VCF-style: chr1-207933066-G-C.
Other names: c.472G>C, p.Glu158Gln (NM_002389.4, NM_153826.4, NM_172350.3 and 8 more transcripts); short protein forms E158Q.
Identifiers: ClinVar variation 3355817 (VCV003355817.4).

ClinVar aggregate classification (germline): Uncertain significance. Review status: criteria provided, multiple submitters, no conflicts (2 of 4 stars). 3 submissions from 3 submitters: Uncertain significance (2). 1 of the submissions does not count toward it. Last evaluated 2025-11-26.

Conditions:
CD46-related disorder. Also called: CD46-related condition.
Atypical hemolytic-uremic syndrome. Identifiers: Orphanet 2134, MedGen C2931788, MONDO:0016244.

gnomAD v4.1: 20 of 1,590,874 alleles (0.0013%); highest among the groups gnomAD compares: Non-Finnish European, 0.0016%; no homozygotes.

Submissions (3):

Labcorp Genetics (formerly Invitae), Labcorp
Classification: Uncertain significance. Last evaluated: 2025-11-26. Review status: criteria provided, single submitter. Criteria: Invitae Variant Classification Sherloc (09022015). Collection method: clinical testing. Allele origin: germline.
Comment: This sequence change replaces glutamic acid, which is acidic and polar, with glutamine, which is neutral and polar, at codon 158 of the CD46 protein (p.Glu158Gln). This variant is present in population databases (rs766757428, gnomAD 0.0009%). This missense change has been observed in individual(s) with atypical hemolytic uremic syndrome (PMID: 37369098). ClinVar contains an entry for this variant (Variation ID: 3355817). Invitae Evidence Modeling of protein sequence and biophysical properties (such as structural, functional, and spatial information, amino acid conservation, physicochemical variation, residue mobility, and thermodynamic stability) indicates that this missense variant is not expected to disrupt CD46 protein function with a negative predictive value of 80%. In summary, the available evidence is currently insufficient to determine the role of this variant in disease. Therefore, it has been classified as a Variant of Uncertain Significance.

Genomenon, Inc
Classification: Uncertain significance for Atypical hemolytic-uremic syndrome. Last evaluated: 2025-10-02. Review status: criteria provided, single submitter. Criteria: Genomenon Sequence Variant Interpretation Standards. Collection method: curation. Allele origin: germline. Affected: yes.
Comment: CD46 p.Glu158Gln (c.472G>C) is a missense variant that changes the amino acid at residue 158 from Glutamic acid to Glutamine. This variant has been observed in at least one proband affected with atypical hemolytic-uremic syndrome (PMID:30916388). It is absent or not present at a significant frequency in gnomAD. In silico models agree that this variant is not damaging. In conclusion, we classify CD46 p.Glu158Gln (c.472G>C) as a variant of uncertain significance.

PreventionGenetics, part of Exact Sciences
Classification: Uncertain significance for CD46-related condition. Last evaluated: 2024-09-13. Review status: no assertion criteria provided. Collection method: clinical testing. Allele origin: germline. Not counted in ClinVar's aggregate classification.
Comment: The CD46 c.472G>C variant is predicted to result in the amino acid substitution p.Glu158Gln. This variant has been reported in an individual with atypical hemolytic uremic syndrome (eTable 3, Patient Number 414, Brocklebank et al. 2023. PubMed ID: 37369098). This variant is reported in 0.00089% of alleles in individuals of European (Non-Finnish) descent in gnomAD. At this time, the clinical significance of this variant is uncertain due to the absence of conclusive functional and genetic evidence.

Literature cited by the submitters: PubMed 37369098 (cited by Labcorp Genetics (formerly Invitae), Labcorp); PubMed 30916388 (cited by Genomenon, Inc).